The following is an entry in ClinVar:

NM_005219.5(DIAPH1):c.1327C>G (p.Leu443Val)

Gene: DIAPH1 (diaphanous related formin 1; minus strand). Cytogenetic location: 5q31.3.
Variant type: single nucleotide variant.
Coding change: c.1327C>G on transcript NM_005219.5 (MANE Select); coding-DNA position 1327, C replaced by G.
Protein change: p.Leu443Val; replaces leucine 443 with valine.
Molecular consequence: missense variant.
Genome position (GRCh38, 1-based): chr5:141,576,825, G>C on the plus strand (C>G on the coding strand, the complement: DIAPH1 is on the minus strand). VCF-style: chr5-141576825-G-C. GRCh37 (hg19) VCF-style: chr5-140956392-G-C.
Other names: c.1300C>G, p.Leu434Val (NM_001079812.3); c.1327C>G, p.Leu443Val (NM_001314007.2); short protein forms L434V, L443V.
Identifiers: ClinVar variation 3748678 (VCV003748678.3).

ClinVar aggregate classification (germline): Uncertain significance. Review status: criteria provided, multiple submitters, no conflicts (2 of 4 stars). 2 submissions from 2 submitters: Uncertain significance (2). Last evaluated 2024-02-14.

Conditions:
Progressive microcephaly-seizures-cortical blindness-developmental delay syndrome. Also called: Seizures, cortical blindness, and microcephaly syndrome. Identifiers: Orphanet 477814, MedGen C5567650, MONDO:0014714, OMIM 616632.
Autosomal dominant nonsyndromic hearing loss 1. Also called: KONIGSMARK SYNDROME; DEAFNESS, AUTOSOMAL DOMINANT 1, WITH OR WITHOUT THROMBOCYTOPENIA. Identifiers: Orphanet 90635, MedGen C1852282, MONDO:0007424, OMIM 124900.

gnomAD v4.1: 5 of 1,613,918 alleles (0.00031%); highest among the groups gnomAD compares: Non-Finnish European, 0.00025%; no homozygotes.

Submissions (2):

Labcorp Genetics (formerly Invitae), Labcorp
Classification: Uncertain significance for Progressive microcephaly-seizures-cortical blindness-developmental delay syndrome; Autosomal dominant nonsyndromic hearing loss 1. Last evaluated: 2024-02-14. Review status: criteria provided, single submitter. Criteria: Invitae Variant Classification Sherloc (09022015). Collection method: clinical testing. Allele origin: germline.
Comment: This sequence change replaces leucine, which is neutral and non-polar, with valine, which is neutral and non-polar, at codon 443 of the DIAPH1 protein (p.Leu443Val). This variant is not present in population databases (gnomAD no frequency). This variant has not been reported in the literature in individuals affected with DIAPH1-related conditions. Experimental studies and prediction algorithms are not available or were not evaluated, and the functional significance of this variant is currently unknown. In summary, the available evidence is currently insufficient to determine the role of this variant in disease. Therefore, it has been classified as a Variant of Uncertain Significance.

Blueprint Genetics
Classification: Uncertain significance. Last evaluated: 2022-02-01. Review status: criteria provided, single submitter. Criteria: ACMG Guidelines, 2015. Collection method: clinical testing. Allele origin: germline.